The following is an entry in ClinVar:

NM_001378454.1(ALMS1):c.11968C>G (p.Pro3990Ala)

Genes: ALMS1 (ALMS1 centrosome and basal body associated protein; plus strand), LOC126806252 (BRD4-independent group 4 enhancer GRCh37_chr2:73828496-73829695; plus strand). Cytogenetic location: 2p13.1.
Variant type: single nucleotide variant.
Coding change: c.11968C>G on transcript NM_001378454.1 (MANE Select); coding-DNA position 11968, C replaced by G.
Protein change: p.Pro3990Ala; replaces proline 3990 with alanine.
Molecular consequence: missense variant.
Genome position (GRCh38, 1-based): chr2:73,601,290, C>G. VCF-style: chr2-73601290-C-G. GRCh37 (hg19) VCF-style: chr2-73828417-C-G.
Other names: c.11971C>G, p.Pro3991Ala (NM_015120.4); short protein forms P3990A, P3991A.
Identifiers: ClinVar variation 1435595 (VCV001435595.11), dbSNP rs189851617, ClinGen allele CA1715394.

ClinVar aggregate classification (germline): Uncertain significance. Review status: criteria provided, multiple submitters, no conflicts (2 of 4 stars). 5 submissions from 5 submitters: Uncertain significance (5). Last evaluated 2025-04-21.

Conditions:
Cardiovascular phenotype. Identifiers: MedGen CN230736.
Alstrom syndrome (ALMS). Identifiers: Orphanet 64, MedGen C0268425, MONDO:0008763, OMIM 203800.

Allele frequency attached by ClinVar (database versions not stated): gnomAD 0.00007 and 0.00006; gnomAD exomes 0.00011; ExAC 0.00013; 1000 Genomes Project 30x 0.00047; 1000 Genomes Project 0.00040.
gnomAD v4.1: 85 of 1,614,176 alleles (0.0053%); highest among the groups gnomAD compares: Admixed American, 0.057%; no homozygotes.

Submissions (5):

GeneDx
Classification: Uncertain significance. Last evaluated: 2025-04-21. Review status: criteria provided, single submitter. Criteria: GeneDx Variant Classification Process June 2021. Collection method: clinical testing. Allele origin: germline.
Comment: In silico analysis supports that this missense variant has a deleterious effect on protein structure/function; Has not been previously published as pathogenic or benign to our knowledge

Labcorp Genetics (formerly Invitae), Labcorp
Classification: Uncertain significance for Alstrom syndrome. Last evaluated: 2024-12-27. Review status: criteria provided, single submitter. Criteria: Invitae Variant Classification Sherloc (09022015). Collection method: clinical testing. Allele origin: germline.
Comment: This sequence change replaces proline, which is neutral and non-polar, with alanine, which is neutral and non-polar, at codon 3991 of the ALMS1 protein (p.Pro3991Ala). This variant is present in population databases (rs189851617, gnomAD 0.04%). This variant has not been reported in the literature in individuals affected with ALMS1-related conditions. ClinVar contains an entry for this variant (Variation ID: 1435595). Experimental studies and prediction algorithms are not available or were not evaluated, and the functional significance of this variant is currently unknown. In summary, the available evidence is currently insufficient to determine the role of this variant in disease. Therefore, it has been classified as a Variant of Uncertain Significance.

Ambry Genetics
Classification: Uncertain significance for Cardiovascular phenotype. Last evaluated: 2024-10-01. Review status: criteria provided, single submitter. Criteria: Ambry Variant Classification Scheme 2023. Collection method: clinical testing. Allele origin: germline.
Comment: The p.P3991A variant (also known as c.11971C>G), located in coding exon 19 of the ALMS1 gene, results from a C to G substitution at nucleotide position 11971. The proline at codon 3991 is replaced by alanine, an amino acid with highly similar properties. This amino acid position is highly conserved in available vertebrate species. In addition, the in silico prediction for this alteration is inconclusive. Since supporting evidence is limited at this time, the clinical significance of this alteration remains unclear.

New York Genome Center
Classification: Uncertain significance for Alstrom syndrome. Last evaluated: 2022-04-15. Review status: criteria provided, single submitter. Criteria: NYGC Assertion Criteria 2020. Collection method: clinical testing. Allele origin: germline. Observed: 1 heterozygote.

Fulgent Genetics
Classification: Uncertain significance for Alstrom syndrome. Last evaluated: 2021-11-12. Review status: criteria provided, single submitter. Criteria: ACMG Guidelines, 2015. Collection method: clinical testing. Allele origin: unknown.